The following is an entry in ClinVar:

NM_001375808.2(LPIN2):c.1621-203_1621-193dup

Gene: LPIN2 (lipin 2; minus strand). Cytogenetic location: 18p11.31.
Variant type: Duplication.
Coding change: c.1621-203_1621-193dup on transcript NM_001375808.2 (MANE Select); 203 bases into the intron before coding-DNA position 1621 through 193 bases into the intron before coding-DNA position 1621, 11 bases duplicated (CACAGAGCTGT).
Molecular consequence: intron variant.
Genome position (GRCh38, 1-based): chr18:2,928,004-2,928,014, ACAGCTCTGTG duplicated on the plus strand (CACAGAGCTGT on the coding strand, the reverse complement: LPIN2 is on the minus strand). VCF-style (leftmost placement, unchanged base first): chr18-2928003-C-CACAGCTCTGTG. GRCh37 (hg19) VCF-style: chr18-2928001-C-CACAGCTCTGTG.
Other names: c.1621-203_1621-193dup (NM_014646.2, NM_001375809.1); c.1621-193_1621-192insCACAGAGCTGT (NM_014646.2).
Identifiers: ClinVar variation 679034 (VCV000679034.1), dbSNP rs111745076, ClinGen allele CA295496173.

ClinVar aggregate classification (germline): Likely benign (1 of 4 stars; one submission).

Allele frequency attached by ClinVar (database versions not stated): gnomAD 0.00509 and 0.00542; 1000 Genomes Project 0.00559; TOPMed 0.00573; 1000 Genomes Project 30x 0.00640.

Submission:

GeneDx
Classification: Likely benign. Last evaluated: 2018-06-14. Review status: criteria provided, single submitter. Criteria: GeneDx Variant Classification (06012015). Collection method: clinical testing. Allele origin: germline. Affected: yes.
Comment: This variant is considered likely benign or benign based on one or more of the following criteria: it is a conservative change, it occurs at a poorly conserved position in the protein, it is predicted to be benign by multiple in silico algorithms, and/or has population frequency not consistent with disease.